The following is an entry in ClinVar:

ClinVar aggregate classification (germline): Uncertain significance. Review status: criteria provided, multiple submitters, no conflicts (2 of 4 stars). 4 submissions from 4 submitters: Uncertain significance (4). Last evaluated 2026-07-02.

Conditions:
Deficiency of alpha-mannosidase (MANSA). Also called: Mannosidosis, alpha-, types I and II; LYSOSOMAL ALPHA-D-MANNOSIDASE DEFICIENCY; Alpha-Mannosidosis. Identifiers: Orphanet 61, MedGen C0024748, MONDO:0009561, OMIM 248500.
MAN2B1-related disorder. Also called: MAN2B1-related condition.
Inborn genetic diseases. Identifiers: MedGen C0950123, MeSH D030342.

Allele frequency attached by ClinVar (database versions not stated): gnomAD exomes 0.00003; ExAC 0.00005; gnomAD 0.00009 and 0.00011; TOPMed 0.00010; ESP Exome Variant Server 0.00023.

Submissions (4):

PreventionGenetics, part of Exact Sciences
Classification: Uncertain significance for MAN2B1-related condition. Last evaluated: 2026-07-02. Review status: criteria provided, single submitter. Criteria: ACMG Guidelines, 2015. Collection method: clinical testing. Allele origin: germline.
Comment: The MAN2B1 c.516G>A variant is predicted to result in the amino acid substitution p.Met172Ile. To our knowledge, this variant has not been reported in the literature. This variant is reported in 0.044% of alleles in individuals of African descent in gnomAD. At this time, the clinical significance of this variant is uncertain due to the absence of conclusive functional and genetic evidence.

Labcorp Genetics (formerly Invitae), Labcorp
Classification: Uncertain significance for Deficiency of alpha-mannosidase. Last evaluated: 2022-01-27. Review status: criteria provided, single submitter. Criteria: Invitae Variant Classification Sherloc (09022015). Collection method: clinical testing. Allele origin: germline.
Comment: This sequence change replaces methionine, which is neutral and non-polar, with isoleucine, which is neutral and non-polar, at codon 172 of the MAN2B1 protein (p.Met172Ile). This variant is present in population databases (rs144119421, gnomAD 0.04%). This variant has not been reported in the literature in individuals affected with MAN2B1-related conditions. Algorithms developed to predict the effect of missense changes on protein structure and function are either unavailable or do not agree on the potential impact of this missense change (SIFT: "Tolerated"; PolyPhen-2: "Probably Damaging"; Align-GVGD: "Class C0"). In summary, the available evidence is currently insufficient to determine the role of this variant in disease. Therefore, it has been classified as a Variant of Uncertain Significance.

GeneDx
Classification: Uncertain significance. Last evaluated: 2022-01-17. Review status: criteria provided, single submitter. Criteria: GeneDx Variant Classification Process June 2021. Collection method: clinical testing. Allele origin: germline. Affected: yes.
Comment: In silico analysis supports that this missense variant has a deleterious effect on protein structure/function; Has not been previously published as pathogenic or benign to our knowledge

Ambry Genetics
Classification: Uncertain significance for Inborn genetic diseases. Last evaluated: 2021-09-01. Review status: criteria provided, single submitter. Criteria: Ambry Variant Classification Scheme 2023. Collection method: clinical testing. Allele origin: germline.

NM_000528.4(MAN2B1):c.516G>A (p.Met172Ile)

Gene: MAN2B1 (mannosidase alpha class 2B member 1; minus strand). Cytogenetic location: 19p13.13.
Variant type: single nucleotide variant.
Coding change: c.516G>A on transcript NM_000528.4 (MANE Select); coding-DNA position 516, G replaced by A.
Protein change: p.Met172Ile; replaces methionine 172 with isoleucine.
Molecular consequence: missense variant.
Genome position (GRCh38, 1-based): chr19:12,664,906, C>T on the plus strand (G>A on the coding strand, the complement: MAN2B1 is on the minus strand). VCF-style: chr19-12664906-C-T. GRCh37 (hg19) VCF-style: chr19-12775720-C-T.
Other names: c.516G>A, p.Met172Ile (NM_001173498.2); short protein forms M172I.
Identifiers: ClinVar variation 1697051 (VCV001697051.6), dbSNP rs144119421, ClinGen allele CA9226786.
Genomic context (GRCh38, chr19:12,664,906, plus strand): 5'-GGCCACACGGGGTCGCCCATCATTGCCAAATGTGTCCTCCAGAAAGCGCAGCCCAAGTGT[C>T]ATCTGGTCCACGATGGCACCGTAGTGGGTGGCTGCCTCATCGTTCATCACCCAGCCACCA-3'
Protein context (NP_000519.2, residues 162-182): ATHYGAIVDQ[Met172Ile]TLGLRFLEDT